The following is an entry in ClinVar:

NM_001042492.3(NF1):c.3803C>T (p.Ala1268Val)

Gene: NF1 (neurofibromin 1; plus strand). Cytogenetic location: 17q11.2.
Variant type: single nucleotide variant.
Coding change: c.3803C>T on transcript NM_001042492.3 (MANE Select); coding-DNA position 3803, C replaced by T.
Protein change: p.Ala1268Val; replaces alanine 1268 with valine.
Molecular consequence: missense variant.
Genome position (GRCh38, 1-based): chr17:31,235,705, C>T. VCF-style: chr17-31235705-C-T. GRCh37 (hg19) VCF-style: chr17-29562723-C-T.
Other names: c.3803C>T, p.Ala1268Val (NM_000267.4); short protein forms A1268V.
Identifiers: ClinVar variation 941695 (VCV000941695.6), dbSNP rs2067188136, ClinGen allele CA398992666.

ClinVar aggregate classification (germline): Uncertain significance (1 of 4 stars; one submission).

Conditions:
Neurofibromatosis, type 1 (NF1). Also called: Peripheral type neurofibromatosis; VON RECKLINGHAUSEN DISEASE; Neurofibromatosis, type I; NEUROFIBROMATOSIS, TYPE I, SOMATIC. Identifiers: Orphanet 636, MedGen C0027831, MONDO:0018975, OMIM 162200. Disease mechanism: loss of function.

Allele frequency attached by ClinVar (database versions not stated): gnomAD exomes below 0.00001.
gnomAD v4.1: 1 of 1,614,058 alleles (0.000062%); highest among the groups gnomAD compares: South Asian, 0.0011%; no homozygotes.

Submission:

Labcorp Genetics (formerly Invitae), Labcorp
Classification: Uncertain significance for Neurofibromatosis, type 1. Last evaluated: 2022-12-20. Review status: criteria provided, single submitter. Criteria: Invitae Variant Classification Sherloc (09022015). Collection method: clinical testing. Allele origin: germline.
Comment: Advanced modeling of protein sequence and biophysical properties (such as structural, functional, and spatial information, amino acid conservation, physicochemical variation, residue mobility, and thermodynamic stability) performed at Invitae indicates that this missense variant is expected to disrupt NF1 protein function. ClinVar contains an entry for this variant (Variation ID: 941695). This variant has not been reported in the literature in individuals affected with NF1-related conditions. This variant is not present in population databases (gnomAD no frequency). This sequence change replaces alanine, which is neutral and non-polar, with valine, which is neutral and non-polar, at codon 1268 of the NF1 protein (p.Ala1268Val). In summary, the available evidence is currently insufficient to determine the role of this variant in disease. Therefore, it has been classified as a Variant of Uncertain Significance.